The following is an entry in ClinVar:

NM_000169.3(GLA):c.634C>T (p.Gln212Ter)

Genes: GLA (galactosidase alpha; minus strand), RPL36A-HNRNPH2 (RPL36A-HNRNPH2 readthrough; plus strand). Cytogenetic location: Xq22.1.
Variant type: single nucleotide variant.
Coding change: c.634C>T on transcript NM_000169.3 (MANE Select); coding-DNA position 634, C replaced by T.
Protein change: p.Gln212Ter; replaces glutamine 212 with a stop codon.
Molecular consequence: nonsense. On other transcripts: non-coding transcript variant (2), intron variant (2).
Genome position (GRCh38, 1-based): chrX:101,400,671, G>A on the plus strand (C>T on the coding strand, the complement: GLA is on the minus strand). VCF-style: chrX-101400671-G-A. GRCh37 (hg19) VCF-style: chrX-100655659-G-A.
Other names: c.757C>T, p.Gln253Ter (NM_001406747.1); c.634C>T, p.Gln212Ter (NM_001406748.1); c.300+5214G>A (NM_001199973.2); c.177+8849G>A (NM_001199974.2); short protein forms Q212*, Q253*.
Identifiers: ClinVar variation 4087171 (VCV004087171.2).

ClinVar aggregate classification (germline): Likely pathogenic (1 of 4 stars; one submission).

Conditions:
Fabry disease. Also called: ALPHA-GALACTOSIDASE A DEFICIENCY; ANDERSON-FABRY DISEASE; CERAMIDE TRIHEXOSIDASE DEFICIENCY; GLA DEFICIENCY; HEREDITARY DYSTOPIC LIPIDOSIS; Angiokeratoma corporis diffusum. Identifiers: Orphanet 324, MedGen C0002986, MONDO:0010526, OMIM 301500, HP:0001071. Disease mechanism: Fabry disease is due to inactivating mutations in the X-linked GLA gene resulting in deficiency of the enzyme Alpha Galactosidase-A., loss of function.

Submission:

Genomenon, Inc
Classification: Likely pathogenic for Fabry disease. Last evaluated: 2026-09-08. Review status: criteria provided, single submitter. Criteria: Genomenon Sequence Variant Interpretation Standards - Updated. Collection method: curation. Allele origin: germline. Affected: no.
Comment: GLA p.Gln212Ter (c.634C>T) is a nonsense variant that introduces a premature stop codon at amino acid position 212 and is predicted to result in a truncated or absent protein product. This variant has been reported in the published literature (PMID:21092187;27657681). It is absent or not present at a significant frequency in gnomAD. In conclusion, we classify GLA p.Gln212Ter (c.634C>T) as a likely pathogenic variant.

Literature cited by the submitters: PubMed 21092187; PubMed 27657681.